The following is an entry in ClinVar:

ClinVar aggregate classification (germline): Likely benign. Review status: criteria provided, multiple submitters, no conflicts (2 of 4 stars). 2 submissions from 2 submitters: Likely benign (2). Last evaluated 2026-02-03.

Conditions:
Autosomal recessive polycystic kidney disease (ARPKD). Also called: AR polycystic kidney disease. Identifiers: Orphanet 731, Orphanet 8378, MedGen C0085548, MeSH D017044, MONDO:0009889.
PKHD1-related disorder. Also called: PKHD1-related condition.

Allele frequency attached by ClinVar (database versions not stated): gnomAD exomes below 0.00001; gnomAD 0.00003 and 0.00004; TOPMed 0.00003.
gnomAD v4.1: 9 of 1,613,812 alleles (0.00056%); highest among the groups gnomAD compares: African/African-American, 0.012%; no homozygotes.

Submissions (2):

PreventionGenetics, part of Exact Sciences
Classification: Likely benign for PKHD1-related condition. Last evaluated: 2026-02-03. Review status: criteria provided, single submitter. Criteria: ACMG Guidelines, 2015. Collection method: clinical testing. Allele origin: germline.
Comment: This variant is classified as likely benign based on ACMG/AMP sequence variant interpretation guidelines (Richards et al. 2015 PMID: 25741868, with internal and published modifications).

Labcorp Genetics (formerly Invitae), Labcorp
Classification: Likely benign for Autosomal recessive polycystic kidney disease. Last evaluated: 2024-01-17. Review status: criteria provided, single submitter. Criteria: Invitae Variant Classification Sherloc (09022015). Collection method: clinical testing. Allele origin: germline.

NM_138694.4(PKHD1):c.9504G>A (p.Glu3168=)

Gene: PKHD1 (PKHD1 ciliary IPT domain containing fibrocystin/polyductin; minus strand). Cytogenetic location: 6p12.3.
Variant type: single nucleotide variant.
Coding change: c.9504G>A on transcript NM_138694.4 (MANE Select); coding-DNA position 9504, G replaced by A.
Protein change: p.Glu3168=; no amino-acid change (glutamic acid 3168 retained).
Molecular consequence: synonymous variant.
Genome position (GRCh38, 1-based): chr6:51,748,112, C>T on the plus strand (G>A on the coding strand, the complement: PKHD1 is on the minus strand). VCF-style: chr6-51748112-C-T. GRCh37 (hg19) VCF-style: chr6-51612910-C-T.
Other names: c.9504G>A, p.Glu3168= (NM_170724.3); c.9504G>A (NM_138694.3).
Identifiers: ClinVar variation 1602587 (VCV001602587.9), dbSNP rs889649722, ClinGen allele CA138896146.